The following is an entry in ClinVar:

NM_003482.4(KMT2D):c.7547C>G (p.Pro2516Arg)

Gene: KMT2D (lysine methyltransferase 2D; minus strand). Cytogenetic location: 12q13.12.
Variant type: single nucleotide variant.
Coding change: c.7547C>G on transcript NM_003482.4 (MANE Select); coding-DNA position 7547, C replaced by G.
Protein change: p.Pro2516Arg; replaces proline 2516 with arginine.
Molecular consequence: missense variant.
Genome position (GRCh38, 1-based): chr12:49,040,223, G>C on the plus strand (C>G on the coding strand, the complement: KMT2D is on the minus strand). VCF-style: chr12-49040223-G-C. GRCh37 (hg19) VCF-style: chr12-49434006-G-C.
Other names: short protein forms P2516R.
Identifiers: ClinVar variation 2194474 (VCV002194474.4), dbSNP rs752647909, ClinGen allele CA384747487.
Genomic context (GRCh38, chr12:49,040,223, plus strand): 5'-AAACGCATGGGAGAGGGGGTGCCCACAAATGCACCCGTCCCAGGGGACCGGACAAAATTG[G>C]GGGGCTGCCCACTTGGGACCTTGGCATGGAGCTCACCTGCTGGCCCCGCGGGCAGGGCTG-3'
Protein context (NP_003473.3, residues 2506-2526): LHAKVPSGQP[Pro2516Arg]NFVRSPGTGA

ClinVar aggregate classification (germline): Uncertain significance (1 of 4 stars; one submission).

Conditions:
Kabuki syndrome. Also called: NIIKAWA-KUROKI SYNDROME; Kabuki make-up syndrome. Identifiers: Orphanet 2322, MedGen C0796004, MONDO:0016512.

Allele frequency attached by ClinVar (database versions not stated): TOPMed below 0.00001.
gnomAD v4.1: 6 of 1,613,012 alleles (0.00037%); highest among the groups gnomAD compares: Non-Finnish European, 0.00051%; no homozygotes.

Submission:

Labcorp Genetics (formerly Invitae), Labcorp
Classification: Uncertain significance for Kabuki syndrome. Last evaluated: 2024-11-11. Review status: criteria provided, single submitter. Criteria: Invitae Variant Classification Sherloc (09022015). Collection method: clinical testing. Allele origin: germline.
Comment: This sequence change replaces proline, which is neutral and non-polar, with arginine, which is basic and polar, at codon 2516 of the KMT2D protein (p.Pro2516Arg). This variant is not present in population databases (gnomAD no frequency). This variant has not been reported in the literature in individuals affected with KMT2D-related conditions. ClinVar contains an entry for this variant (Variation ID: 2194474). Invitae Evidence Modeling of protein sequence and biophysical properties (such as structural, functional, and spatial information, amino acid conservation, physicochemical variation, residue mobility, and thermodynamic stability) indicates that this missense variant is not expected to disrupt KMT2D protein function with a negative predictive value of 95%. In summary, the available evidence is currently insufficient to determine the role of this variant in disease. Therefore, it has been classified as a Variant of Uncertain Significance.